The following is an entry in ClinVar:

ClinVar aggregate classification (germline): Pathogenic. Review status: criteria provided, multiple submitters, no conflicts (2 of 4 stars). 2 submissions from 2 submitters: Pathogenic (2). Last evaluated 2023-10-26.

Conditions:
Hereditary cancer-predisposing syndrome. Also called: Neoplastic Syndromes, Hereditary; Tumor predisposition; Hereditary Cancer Syndrome; Hereditary neoplastic syndrome. Identifiers: Orphanet 140162, MedGen C0027672, MeSH D009386, MONDO:0015356.

Submissions (2):

Labcorp Genetics (formerly Invitae), Labcorp
Classification: Pathogenic for Hereditary cancer-predisposing syndrome. Last evaluated: 2023-10-26. Review status: criteria provided, single submitter. Criteria: Invitae Variant Classification Sherloc (09022015). Collection method: clinical testing. Allele origin: germline.
Comment: This sequence change creates a premature translational stop signal (p.Ser1176Glufs*3) in the RAD50 gene. It is expected to result in an absent or disrupted protein product. Loss-of-function variants in RAD50 are known to be pathogenic (PMID: 19409520). This variant is not present in population databases (gnomAD no frequency). This variant has not been reported in the literature in individuals affected with RAD50-related conditions. ClinVar contains an entry for this variant (Variation ID: 484697). For these reasons, this variant has been classified as Pathogenic.

Ambry Genetics
Classification: Pathogenic for Hereditary cancer-predisposing syndrome. Last evaluated: 2017-06-08. Review status: criteria provided, single submitter. Criteria: Ambry Variant Classification Scheme 2023. Collection method: clinical testing. Allele origin: germline.
Comment: The c.3525_3538del14 pathogenic mutation, located in coding exon 23 of the RAD50 gene, results from a deletion of 14 nucleotides at nucleotide positions 3525 to 3538, causing a translational frameshift with a predicted alternate stop codon (p.S1176Efs*3). This alteration is expected to result in loss of function by premature protein truncation or nonsense-mediated mRNA decay. As such, this alteration is interpreted as a disease-causing mutation.

Literature cited by the submitters: PubMed 19409520 (cited by Labcorp Genetics (formerly Invitae), Labcorp).

NM_005732.4(RAD50):c.3525_3538del (p.Ser1176fs)

Genes: RAD50 (RAD50 double strand break repair protein; plus strand), TH2-LCR (Th2 cytokine locus control region; plus strand), TH2LCRR (T helper type 2 locus control region associated RNA; minus strand). Cytogenetic location: 5q31.1.
Variant type: Deletion.
Coding change: c.3525_3538del on transcript NM_005732.4 (MANE Select); coding-DNA positions 3525 to 3538, 14 bases deleted (TTCTGATAAAAGGC).
Protein change: p.Ser1176fs; shifts the reading frame from serine 1176.
Molecular consequence: frameshift variant. On other transcripts: non-coding transcript variant (2).
Genome position (GRCh38, 1-based): chr5:132,638,130-132,638,143, TTCTGATAAAAGGC deleted; deleting any 14 consecutive bases within chr5:132,638,128-132,638,143 gives the same sequence; the c. name uses the placement nearest the transcript's 3' end. VCF-style (leftmost placement, unchanged base first): chr5-132638127-AGCTTCTGATAAAAG-A. GRCh37 (hg19) VCF-style: chr5-131973819-AGCTTCTGATAAAAG-A.
Other names: c.3525_3538delTTCTGATAAAAGGC (NM_005732.3); short protein forms S1176fs.
Identifiers: ClinVar variation 484697 (VCV000484697.12), dbSNP rs1423570602, ClinGen allele CA446352972.
Genomic context (GRCh38, chr5:132,638,127, plus strand): 5'-TCTTCCTGTGTCAGATATTGAATACATAGAAATACGGTCTGATGCCGATGAAAATGTATC[AGCTTCTGATAAAAG>A]GCGGAATTATAACTACCGAGTGGTGATGCTGAAGGGAGACACAGCCTTGGATATGCGAGG-3'